The following is an entry in ClinVar:

ClinVar aggregate classification (germline): Uncertain significance (1 of 4 stars; one submission).

Submission:

Labcorp Genetics (formerly Invitae), Labcorp
Classification: Uncertain significance. Last evaluated: 2025-07-06. Review status: criteria provided, single submitter. Criteria: Invitae Variant Classification Sherloc (09022015). Collection method: clinical testing. Allele origin: germline.
Comment: This sequence change replaces threonine, which is neutral and polar, with arginine, which is basic and polar, at codon 51 of the RIPPLY2 protein (p.Thr51Arg). This variant is present in population databases (no rsID available, gnomAD 0.006%). This variant has not been reported in the literature in individuals affected with RIPPLY2-related conditions. ClinVar contains an entry for this variant (Variation ID: 3607010). An algorithm developed to predict the effect of missense changes on protein structure and function (PolyPhen-2) suggests that this variant is likely to be tolerated. In summary, the available evidence is currently insufficient to determine the role of this variant in disease. Therefore, it has been classified as a Variant of Uncertain Significance.

NM_001009994.3(RIPPLY2):c.152C>G (p.Thr51Arg)

Genes: RIPPLY2 (ripply transcriptional repressor 2; plus strand), RIPPLY2-CYB5R4 (RIPPLY2-CYB5R4 readthrough; plus strand). Cytogenetic location: 6q14.2.
Variant type: single nucleotide variant.
Coding change: c.152C>G on transcript NM_001009994.3 (MANE Select); coding-DNA position 152, C replaced by G.
Protein change: p.Thr51Arg; replaces threonine 51 with arginine.
Molecular consequence: missense variant. On other transcripts: 5 prime UTR variant (2), non-coding transcript variant (5).
Genome position (GRCh38, 1-based): chr6:83,853,751, C>G. VCF-style: chr6-83853751-C-G. GRCh37 (hg19) VCF-style: chr6-84563470-C-G.
Other names: c.-115C>G (NM_001400774.1); c.-109C>G (NM_001400899.1); c.152C>G, p.Thr51Arg (NM_001400900.1); short protein forms T51R.
Identifiers: ClinVar variation 3607010 (VCV003607010.2).